The following is an entry in ClinVar:

ClinVar aggregate classification (germline): Likely pathogenic (0 of 4 stars; one submission).

Conditions:
Thrombophilia due to protein S deficiency, autosomal dominant (THPH5). Identifiers: Orphanet 26349, Orphanet 743, MedGen C3278211, MONDO:0012868, OMIM 612336. Disease mechanism: loss of function.

Submission:

Department of Transfusion Medicine and Hemostaseology, University Hospital Erlangen
Classification: Likely pathogenic for Thrombophilia due to protein S deficiency, autosomal dominant. Last evaluated: 2025-09-01. Review status: no assertion criteria provided. Collection method: clinical testing. Allele origin: germline.
Comment: This variant was identified during a screening of patients with suspected hereditary Protein S deficiency. Currently, no literature describing this variant is available and it is not listed in any public population database. Nevertheless, due to the introduction of a premature stop codon within the signal domain of Protein S, we classified this variant as likely pathogenic.

NM_000313.4(PROS1):c.25_34dup (p.Leu12fs)

Gene: PROS1 (protein S; minus strand). Cytogenetic location: 3q11.1.
Variant type: Duplication.
Coding change: c.25_34dup on transcript NM_000313.4 (MANE Select); coding-DNA positions 25 to 34, 10 bases duplicated (GGGGCGCTGC; older notation c.25_34dupGGGGCGCTGC).
Protein change: p.Leu12fs; shifts the reading frame from leucine 12.
Molecular consequence: frameshift variant.
Genome position (GRCh38, 1-based): chr3:93,973,716-93,973,725, GCAGCGCCCC duplicated on the plus strand (GGGGCGCTGC on the coding strand, the reverse complement: PROS1 is on the minus strand); duplicating any 10 consecutive bases within chr3:93,973,716-93,973,734 gives the same sequence; the c. name uses the placement nearest the transcript's 3' end. VCF-style (leftmost placement, unchanged base first): chr3-93973715-A-AGCAGCGCCCC. GRCh37 (hg19) VCF-style: chr3-93692559-A-AGCAGCGCCCC.
Other names: c.25_34dupGGGGCGCTGC (NM_000313.4); c.25_34dup, p.Leu12fs (NM_001314077.2); short protein forms L12fs.
Identifiers: ClinVar variation 4529453 (VCV004529453.1).